The following is an entry in ClinVar:

ClinVar aggregate classification (germline): Uncertain significance (1 of 4 stars; one submission).

Conditions:
Dilated cardiomyopathy 1G (CMD1G). Identifiers: Orphanet 154, MedGen C1858763, MONDO:0011400, OMIM 604145.
Autosomal recessive limb-girdle muscular dystrophy type 2J (LGMDR10). Also called: MUSCULAR DYSTROPHY, LIMB-GIRDLE, AUTOSOMAL RECESSIVE 10; Limb-girdle muscular dystrophy, type 2J. Identifiers: Orphanet 140922, MedGen C1837342, MONDO:0012127, OMIM 608807.

Submission:

Labcorp Genetics (formerly Invitae), Labcorp
Classification: Uncertain significance for Dilated cardiomyopathy 1G; Limb-girdle muscular dystrophy, type 2J. Last evaluated: 2019-02-01. Review status: criteria provided, single submitter. Criteria: Invitae Variant Classification Sherloc (09022015). Collection method: clinical testing. Allele origin: germline.
Comment: This sequence change results in a premature translational stop signal in the TTN gene (p.Gly4325Alafs*4). While this is not anticipated to result in nonsense mediated decay, it is expected to create a truncated TTN protein. This variant is not present in population databases (ExAC no frequency). This variant has not been reported in the literature in individuals with TTN-related conditions. This variant is located in the I band of TTN (PMID: 25589632). Truncating variants in this region have been shown to be highly prevalent in the general population and unaffected individuals (PMID: 26701604, 22335739). However, truncating variants in this region have also been reported in individuals affected with autosomal recessive centronuclear myopathy (PMID: 23975875). In summary, the available evidence is currently insufficient to determine the role of this variant in disease. Therefore, it has been classified as a Variant of Uncertain Significance.

Literature cited by the submitters: PubMed 22335739; PubMed 23975875; PubMed 25589632; PubMed 26701604.

NM_001267550.2(TTN):c.12972del (p.Gly4325fs)

Gene: TTN (titin; minus strand). Cytogenetic location: 2q31.2.
Variant type: Deletion.
Coding change: c.12972del on transcript NM_001267550.2 (MANE Select); coding-DNA position 12972, one base deleted (A; older notation c.12972delA).
Protein change: p.Gly4325fs; shifts the reading frame from glycine 4325.
Molecular consequence: frameshift variant. On other transcripts: intron variant (1).
Genome position (GRCh38, 1-based): chr2:178,740,261, T deleted on the plus strand (A on the coding strand, the reverse complement: TTN is on the minus strand); the first of 2 consecutive T bases (chr2:178,740,261-178,740,262); deleting either gives the same sequence. VCF-style (leftmost placement, unchanged base first): chr2-178740260-CT-C. GRCh37 (hg19) VCF-style: chr2-179604987-CT-C.
Other names: c.12021del, p.Gly4008fs (NM_001256850.1); c.11883del, p.Gly3962fs (NM_003319.4); c.12258del, p.Gly4087fs (NM_133432.3); c.12459del, p.Gly4154fs (NM_133437.4); c.10361-1901del (NM_133378.4); short protein forms G4087fs, G3962fs, G4325fs, G4008fs, G4154fs.
Identifiers: ClinVar variation 854061 (VCV000854061.1), dbSNP rs2082260794, ClinGen allele CA916081378.
Genomic context (GRCh38, chr2:178,740,260, plus strand): 5'-GCTCTTCTTTGAGCAGTACCTGCTTTTCTTCAAGTGCTAGTGGAAATCTTAAGGACTTGC[CT>C]TCCTCAATTCTGACCGCAGAATCTTGCCCTGCATTTTCCAGTGGATTTGCACTTTCTATC-3'